The following is an entry in ClinVar:

ClinVar aggregate classification (germline): conflicting data from submitters (0 of 4 stars; one submission).

Submission:

ISCA site 1
Classification: conflicting data from submitters. Last evaluated: 2014-09-22. Review status: no assertion criteria provided. Collection method: clinical testing. Allele origin: maternal, unknown. Affected: yes. Observed: 2 variant alleles.
Comment: Uncertain significance(1), Likely benign (1)

Copy number variation identified through the course of routine clinical cytogenomic testing in postnatal populations, with clinical assertions as classified by the original submitter. For data from the original published study, Kaminsky, et al. 2011 (PubMed 21844811), please see nstd101.

GRCh38/hg38 15q11.2(chr15:22595661-23102647)x1

Genes: NIPA1 (NIPA magnesium transporter 1; plus strand), NIPA2 (NIPA magnesium transporter 2; plus strand), TUBGCP5 (tubulin gamma complex component 5; minus strand), CYFIP1 (cytoplasmic FMR1 interacting protein 1; minus strand), LOC130056717 (ATAC-STARR-seq lymphoblastoid active region 9159; plus strand) and 15 more. Cytogenetic location: 15q11.2.
Variant type: copy number loss.
Change: copy number 1 (one copy instead of two) of chr15:22,595,661-23,102,647 (507.0 kb, GRCh38 coordinates, 1-based), cytogenetic band 15q11.2.
Identifiers: ClinVar variation 153979 (VCV000153979.3).